The following is an entry in ClinVar:

NM_002691.4(POLD1):c.124GAG[3] (p.Glu43_Met44insGlu)

Gene: POLD1 (DNA polymerase delta 1, catalytic subunit; plus strand). Cytogenetic location: 19q13.33.
Variant type: Microsatellite.
Coding change: c.124GAG[3] on transcript NM_002691.4 (MANE Select); three copies in a row of the 3-base unit GAG starting at c.124; the reference has two copies in a row; one copy, 3 bases duplicated.
Protein change: p.Glu43_Met44insGlu.
Molecular consequence: inframe insertion. On other transcripts: non-coding transcript variant (1).
Genome position (GRCh38, 1-based): chr19:50,398,978-50,398,980, GAG duplicated; duplicating any 3 consecutive bases within chr19:50,398,974-50,398,980 gives the same sequence; the position shown is the placement nearest the transcript's 3' end. VCF-style (leftmost placement, unchanged base first): chr19-50398973-T-TGGA. GRCh37 (hg19) VCF-style: chr19-50902230-T-TGGA.
Other names: c.124GAG[3], p.Glu43_Met44insGlu (NM_001256849.1, NM_001308632.1).
Identifiers: ClinVar variation 2744355 (VCV002744355.3), dbSNP rs2513933095, ClinGen allele CA2697556725.

ClinVar aggregate classification (germline): Uncertain significance (1 of 4 stars; one submission).

Conditions:
POLD1-related polyposis and colorectal cancer syndrome (CRCS10). Also called: Colorectal cancer 10; Colorectal cancer, susceptibility to, 10; COLORECTAL CANCER, SUSCEPTIBILITY TO, ON CHROMOSOME 19q. Identifiers: Orphanet 220460, MedGen C2675481, MONDO:0012953, OMIM 612591.

Submission:

Labcorp Genetics (formerly Invitae), Labcorp
Classification: Uncertain significance for POLD1-related polyposis and colorectal cancer syndrome. Last evaluated: 2024-05-29. Review status: criteria provided, single submitter. Criteria: Invitae Variant Classification Sherloc (09022015). Collection method: clinical testing. Allele origin: germline.
Comment: This variant, c.127_129dup, results in the insertion of 1 amino acid(s) of the POLD1 protein (p.Glu43dup), but otherwise preserves the integrity of the reading frame. This variant is not present in population databases (gnomAD no frequency). This variant has not been reported in the literature in individuals affected with POLD1-related conditions. In summary, the available evidence is currently insufficient to determine the role of this variant in disease. Therefore, it has been classified as a Variant of Uncertain Significance.